The following is an entry in ClinVar:

ClinVar aggregate classification (germline): Uncertain significance (1 of 4 stars; one submission).

Conditions:
RASopathy. Also called: Noonan spectrum disorder; rasopathies. Identifiers: Orphanet 536391, MedGen C5555857, MONDO:0021060.

Submission:

Labcorp Genetics (formerly Invitae), Labcorp
Classification: Uncertain significance for RASopathy. Last evaluated: 2022-11-25. Review status: criteria provided, single submitter. Criteria: Invitae Variant Classification Sherloc (09022015). Collection method: clinical testing. Allele origin: germline.
Comment: This sequence change replaces leucine, which is neutral and non-polar, with valine, which is neutral and non-polar, at codon 178 of the MAP2K2 protein (p.Leu178Val). This variant is not present in population databases (gnomAD no frequency). This variant has not been reported in the literature in individuals affected with MAP2K2-related conditions. Advanced modeling of protein sequence and biophysical properties (such as structural, functional, and spatial information, amino acid conservation, physicochemical variation, residue mobility, and thermodynamic stability) performed at Invitae indicates that this missense variant is not expected to disrupt MAP2K2 protein function. In summary, the available evidence is currently insufficient to determine the role of this variant in disease. Therefore, it has been classified as a Variant of Uncertain Significance.

NM_030662.4(MAP2K2):c.532C>G (p.Leu178Val)

Gene: MAP2K2 (mitogen-activated protein kinase kinase 2; minus strand). Cytogenetic location: 19p13.3.
Variant type: single nucleotide variant.
Coding change: c.532C>G on transcript NM_030662.4 (MANE Select); coding-DNA position 532, C replaced by G.
Protein change: p.Leu178Val; replaces leucine 178 with valine.
Molecular consequence: missense variant.
Genome position (GRCh38, 1-based): chr19:4,101,277, G>C on the plus strand (C>G on the coding strand, the complement: MAP2K2 is on the minus strand). VCF-style: chr19-4101277-G-C. GRCh37 (hg19) VCF-style: chr19-4101275-G-C.
Other names: short protein forms L178V.
Identifiers: ClinVar variation 2894153 (VCV002894153.3), dbSNP rs1262143092, ClinGen allele CA403389085.